The following is an entry in ClinVar:

NM_002907.4(RECQL):c.1054G>A (p.Asp352Asn)

Gene: RECQL (RecQ like helicase; minus strand). Cytogenetic location: 12p12.1.
Variant type: single nucleotide variant.
Coding change: c.1054G>A on transcript NM_002907.4 (MANE Select); coding-DNA position 1054, G replaced by A.
Protein change: p.Asp352Asn; replaces aspartic acid 352 with asparagine.
Molecular consequence: missense variant.
Genome position (GRCh38, 1-based): chr12:21,475,720, C>T on the plus strand (G>A on the coding strand, the complement: RECQL is on the minus strand). VCF-style: chr12-21475720-C-T. GRCh37 (hg19) VCF-style: chr12-21628654-C-T.
Other names: c.1054G>A, p.Asp352Asn (NM_032941.3); short protein forms D352N.
Identifiers: ClinVar variation 3787929 (VCV003787929.1).

ClinVar aggregate classification (germline): Uncertain significance (1 of 4 stars; one submission).

Submission:

Ambry Genetics
Classification: Uncertain significance. Last evaluated: 2025-03-12. Review status: criteria provided, single submitter. Criteria: Ambry Variant Classification Scheme 2023. Collection method: clinical testing. Allele origin: germline.
Comment: The p.D352N variant (also known as c.1054G>A), located in coding exon 8 of the RECQL gene, results from a G to A substitution at nucleotide position 1054. The aspartic acid at codon 352 is replaced by asparagine, an amino acid with highly similar properties. This amino acid position is conserved. In addition, this alteration is predicted to be tolerated by in silico analysis. Based on the available evidence, the clinical significance of this variant remains unclear.